The following is an entry in ClinVar:

ClinVar aggregate classification (germline): Conflicting classifications of pathogenicity. Review status: criteria provided, conflicting classifications (1 of 4 stars). 5 submissions from 5 submitters: Uncertain significance (1); Benign (1); Likely benign (2). 1 of the submissions does not count toward it. Last evaluated 2026-01-18.

Conditions:
CCDC88C-related disorder. Also called: CCDC88C-related condition; CCDC88C-Related Disorders.
Inborn genetic diseases. Identifiers: MedGen C0950123, MeSH D030342.

Allele frequency attached by ClinVar (database versions not stated): gnomAD exomes 0.00011; ExAC 0.00039; 1000 Genomes Project 0.00140; 1000 Genomes Project 30x 0.00141; ESP Exome Variant Server 0.00145.
gnomAD v4.1: 336 of 1,613,682 alleles (0.021%); highest among the groups gnomAD compares: African/African-American, 0.4%; 2 homozygotes.

Submissions (5):

Labcorp Genetics (formerly Invitae), Labcorp
Classification: Benign. Last evaluated: 2026-01-18. Review status: criteria provided, single submitter. Criteria: Invitae Variant Classification Sherloc (09022015). Collection method: clinical testing. Allele origin: germline.

Mayo Clinic Laboratories, Mayo Clinic
Classification: Likely benign. Last evaluated: 2025-05-05. Review status: criteria provided, single submitter. Criteria: ACMG Guidelines, 2015. Collection method: clinical testing. Allele origin: germline. Observed: 1 variant allele.
Comment: BS1, BP4_moderate

GeneDx
Classification: Uncertain significance. Last evaluated: 2024-02-08. Review status: criteria provided, single submitter. Criteria: GeneDx Variant Classification Process June 2021. Collection method: clinical testing. Allele origin: germline. Affected: yes.
Comment: In silico analysis supports that this missense variant does not alter protein structure/function; Has not been previously published as pathogenic or benign to our knowledge

Ambry Genetics
Classification: Likely benign for Inborn genetic diseases. Last evaluated: 2022-01-05. Review status: criteria provided, single submitter. Criteria: Ambry Variant Classification Scheme 2023. Collection method: clinical testing. Allele origin: germline.

PreventionGenetics, part of Exact Sciences
Classification: Likely benign for CCDC88C-related condition. Last evaluated: 2022-05-09. Review status: no assertion criteria provided. Collection method: clinical testing. Allele origin: germline. Not counted in ClinVar's aggregate classification.
Comment: This variant is classified as likely benign based on ACMG/AMP sequence variant interpretation guidelines (Richards et al. 2015 PMID: 25741868, with internal and published modifications).

NM_001080414.4(CCDC88C):c.4538C>T (p.Ser1513Leu)

Gene: CCDC88C (coiled-coil and HOOK domain protein 88C; minus strand). Cytogenetic location: 14q32.11.
Variant type: single nucleotide variant.
Coding change: c.4538C>T on transcript NM_001080414.4 (MANE Select); coding-DNA position 4538, C replaced by T.
Protein change: p.Ser1513Leu; replaces serine 1513 with leucine.
Molecular consequence: missense variant.
Genome position (GRCh38, 1-based): chr14:91,283,421, G>A on the plus strand (C>T on the coding strand, the complement: CCDC88C is on the minus strand). VCF-style: chr14-91283421-G-A. GRCh37 (hg19) VCF-style: chr14-91749765-G-A.
Other names: p.Ser1513Leu; short protein forms S1513L.
Identifiers: ClinVar variation 1711893 (VCV001711893.11), dbSNP rs3950029, ClinGen allele CA7308958.